The following is an entry in ClinVar:

ClinVar aggregate classification (germline): Uncertain significance (1 of 4 stars; one submission).

Conditions:
Arrhythmogenic cardiomyopathy with wooly hair and keratoderma. Also called: Arrhythmogenic cardiomyopathy with woolly hair and keratoderma; Carvajal syndrome; Dilated cardiomyopathy with woolly hair and keratoderma; PALMOPLANTAR KERATODERMA WITH LEFT VENTRICULAR CARDIOMYOPATHY AND WOOLLY HAIR. Identifiers: Orphanet 65282, MedGen C1854063, MONDO:0011581, OMIM 605676.
Arrhythmogenic right ventricular dysplasia 8 (ARVD8). Also called: Arrhythmogenic Right Ventricular Dysplasia/Cardiomyopathy 8; ARRHYTHMOGENIC RIGHT VENTRICULAR DYSPLASIA, FAMILIAL, 8; ARRHYTHMOGENIC RIGHT VENTRICULAR CARDIOMYOPATHY 8. Identifiers: MedGen C1843896, MONDO:0011831, OMIM 607450.

Submission:

Labcorp Genetics (formerly Invitae), Labcorp
Classification: Uncertain significance for Arrhythmogenic cardiomyopathy with wooly hair and keratoderma; Arrhythmogenic right ventricular dysplasia 8. Last evaluated: 2022-11-08. Review status: criteria provided, single submitter. Criteria: Invitae Variant Classification Sherloc (09022015). Collection method: clinical testing. Allele origin: germline.
Comment: In summary, the available evidence is currently insufficient to determine the role of this variant in disease. Therefore, it has been classified as a Variant of Uncertain Significance. Algorithms developed to predict the effect of missense changes on protein structure and function (SIFT, PolyPhen-2, Align-GVGD) all suggest that this variant is likely to be tolerated. This variant has not been reported in the literature in individuals affected with DSP-related conditions. This variant is not present in population databases (gnomAD no frequency). This sequence change replaces asparagine, which is neutral and polar, with aspartic acid, which is acidic and polar, at codon 1055 of the DSP protein (p.Asn1055Asp).

NM_004415.4(DSP):c.3163A>G (p.Asn1055Asp)

Gene: DSP (desmoplakin; plus strand). Cytogenetic location: 6p24.3.
Variant type: single nucleotide variant.
Coding change: c.3163A>G on transcript NM_004415.4 (MANE Select); coding-DNA position 3163, A replaced by G.
Protein change: p.Asn1055Asp; replaces asparagine 1055 with aspartic acid.
Molecular consequence: missense variant.
Genome position (GRCh38, 1-based): chr6:7,579,353, A>G. VCF-style: chr6-7579353-A-G. GRCh37 (hg19) VCF-style: chr6-7579586-A-G.
Other names: c.3163A>G, p.Asn1055Asp (NM_001008844.3, NM_001319034.2); short protein forms N1055D.
Identifiers: ClinVar variation 2097778 (VCV002097778.4), dbSNP rs2533922465, ClinGen allele CA362683178.